The following is an entry in ClinVar:

ClinVar aggregate classification (germline): Conflicting classifications of pathogenicity. Review status: criteria provided, conflicting classifications (1 of 4 stars). 7 submissions from 6 submitters: Pathogenic (1); Likely pathogenic (1); Uncertain significance (4). 1 of the submissions does not count toward it. Last evaluated 2024-03-17.

Conditions:
PEX26-related disorder. Also called: PEX26-related condition.
Peroxisome biogenesis disorder 7A (Zellweger). Also called: Peroxisome biogenesis disorder 7A. Identifiers: Orphanet 912, MedGen C3888385, MONDO:0013938, OMIM 614872.
Peroxisome biogenesis disorder 7B (PBD7B). Identifiers: Orphanet 44, MedGen C3553951, MONDO:0013939, OMIM 614873.

gnomAD v4.1: 1 of 1,598,600 alleles (0.000063%); highest among the groups gnomAD compares: South Asian, 0.0011%; no homozygotes.

Submissions (7):

Genomic Medicine Center of Excellence, King Faisal Specialist Hospital and Research Centre
Classification: Uncertain significance for Peroxisome biogenesis disorder 7A (Zellweger). Last evaluated: 2024-03-17. Review status: criteria provided, single submitter. Criteria: ACMG Guidelines, 2015. Collection method: research. Allele origin: germline.

Blueprint Genetics
Classification: Pathogenic for PEX26-related disorders. Last evaluated: 2023-09-12. Review status: criteria provided, single submitter. Criteria: ACMG Guidelines, 2015. Collection method: clinical testing. Allele origin: germline. Affected: yes. Observed: 4 variant alleles.

CeGaT Center for Human Genetics Tuebingen
Classification: Uncertain significance. Last evaluated: 2023-01-01. Review status: criteria provided, single submitter. Criteria: CeGaT Center For Human Genetics Tuebingen Variant Classification Criteria Version 2. Collection method: clinical testing. Allele origin: germline. Affected: yes. Observed: 1 variant allele.
Comment: PEX26: PM2, PP3, PS3:Supporting

Institute of Human Genetics, Cologne University
Classification: Likely pathogenic for Peroxisome biogenesis disorder 7A (Zellweger). Last evaluated: 2022-11-22. Review status: criteria provided, single submitter. Criteria: ACMG Guidelines, 2015. Collection method: clinical testing. Allele origin: germline. Affected: yes.

Labcorp Genetics (formerly Invitae), Labcorp
Classification: Uncertain significance for Peroxisome biogenesis disorder 7A (Zellweger); Peroxisome biogenesis disorder 7B. Last evaluated: 2022-08-09. Review status: criteria provided, single submitter. Criteria: Invitae Variant Classification Sherloc (09022015). Collection method: clinical testing. Allele origin: germline.
Comment: ClinVar contains an entry for this variant (Variation ID: 191169). In summary, the available evidence is currently insufficient to determine the role of this variant in disease. Therefore, it has been classified as a Variant of Uncertain Significance. Studies have shown that this variant results in skipping of 4 nucleotides in the transcript and introduces a premature termination codon (PMID: 32552793). The resulting mRNA is expected to undergo nonsense-mediated decay. This variant has not been reported in the literature in individuals affected with PEX26-related conditions. This variant is not present in population databases (gnomAD no frequency). This sequence change affects codon 76 of the PEX26 mRNA. It is a 'silent' change, meaning that it does not change the encoded amino acid sequence of the PEX26 protein. RNA analysis indicates that this variant induces altered splicing and may result in an absent or disrupted protein product.

3billion
Classification: Uncertain significance for Peroxisome biogenesis disorder 7A (Zellweger). Last evaluated: 2022-01-03. Review status: criteria provided, single submitter. Criteria: ACMG Guidelines, 2015. Collection method: clinical testing. Allele origin: germline. Affected: yes. Observed: 1 homozygote.
Comment: The variant has been reported to be associated with PEX26 related disorder (ClinVar ID: VCV000191169, PMID:27124789).It is observed at an extremely low frequency in the gnomAD v2.1.1 dataset (total allele frequency: 0.000000, PM2_M). Therefore, this variant is classified as uncertain significance according to the recommendation of ACMG/AMP guideline.

Genomic Medicine Center of Excellence, King Faisal Specialist Hospital and Research Centre
Classification: Likely pathogenic. Review status: flagged submission. Criteria: ACMG Guidelines, 2015. Collection method: research. Allele origin: germline. Affected: yes. Not counted in ClinVar's aggregate classification.
ClinVar note: Reason: This record appears to be redundant with a more recent record from the same submitter.
ClinVar note: Notes: SCV000221551 appears to be redundant with SCV004804729.

Literature cited by the submitters: PubMed 32552793 (cited by Labcorp Genetics (formerly Invitae), Labcorp); PubMed 27124789 (cited by 3billion).

NM_001127649.3(PEX26):c.228C>T (p.Gly76=)

Gene: PEX26 (peroxisomal biogenesis factor 26; plus strand). Cytogenetic location: 22q11.21.
Variant type: single nucleotide variant.
Coding change: c.228C>T on transcript NM_001127649.3 (MANE Select); coding-DNA position 228, C replaced by T.
Protein change: p.Gly76=; no amino-acid change (glycine 76 retained).
Molecular consequence: synonymous variant.
Genome position (GRCh38, 1-based): chr22:18,078,604, C>T. VCF-style: chr22-18078604-C-T. GRCh37 (hg19) VCF-style: chr22-18561370-C-T.
Other names: c.228C>T, p.Gly76= (NM_001199319.2, NM_017929.6).
Identifiers: ClinVar variation 191169 (VCV000191169.40), dbSNP rs786205556, ClinGen allele CA236171.